The following is an entry in ClinVar:

NM_000548.5(TSC2):c.3505G>C (p.Ala1169Pro)

Gene: TSC2 (TSC complex subunit 2; plus strand). Cytogenetic location: 16p13.3.
Variant type: single nucleotide variant.
Coding change: c.3505G>C on transcript NM_000548.5 (MANE Select); coding-DNA position 3505, G replaced by C.
Protein change: p.Ala1169Pro; replaces alanine 1169 with proline.
Molecular consequence: missense variant. On other transcripts: non-coding transcript variant (5).
Genome position (GRCh38, 1-based): chr16:2,080,272, G>C. VCF-style: chr16-2080272-G-C. GRCh37 (hg19) VCF-style: chr16-2130273-G-C.
Other names: c.3373G>C, p.Ala1125Pro (NM_001077183.3, NM_001370404.1, NM_001406665.1); c.3505G>C, p.Ala1169Pro (NM_001114382.3); c.3265G>C, p.Ala1089Pro (NM_001318827.2); c.3229G>C, p.Ala1077Pro (NM_001318829.2); c.2773G>C, p.Ala925Pro (NM_001318831.2, NM_001406687.1, NM_001406688.1); c.3406G>C, p.Ala1136Pro (NM_001318832.2); c.3376G>C, p.Ala1126Pro (NM_001363528.2, NM_001370405.1, NM_021055.3); c.3502G>C, p.Ala1168Pro (NM_001406663.1, NM_001406664.1); and 18 more; short protein forms A1076P, A1077P, A1088P, A1089P, A1106P, A1119P, A1120P, A1121P.
Identifiers: ClinVar variation 4802875 (VCV004802875.1).

ClinVar aggregate classification (germline): Uncertain significance (1 of 4 stars; one submission).

Conditions:
Tuberous sclerosis 2 (TSC2). Identifiers: Orphanet 805, MedGen C1860707, MONDO:0013199, OMIM 613254.

Submission:

Labcorp Genetics (formerly Invitae), Labcorp
Classification: Uncertain significance for Tuberous sclerosis 2. Last evaluated: 2025-05-21. Review status: criteria provided, single submitter. Criteria: Invitae Variant Classification Sherloc (09022015). Collection method: clinical testing. Allele origin: germline.
Comment: This sequence change replaces alanine, which is neutral and non-polar, with proline, which is neutral and non-polar, at codon 1169 of the TSC2 protein (p.Ala1169Pro). This variant is not present in population databases (gnomAD no frequency). This variant has not been reported in the literature in individuals affected with TSC2-related conditions. Invitae Evidence Modeling of protein sequence and biophysical properties (such as structural, functional, and spatial information, amino acid conservation, physicochemical variation, residue mobility, and thermodynamic stability) indicates that this missense variant is not expected to disrupt TSC2 protein function with a negative predictive value of 95%. In summary, the available evidence is currently insufficient to determine the role of this variant in disease. Therefore, it has been classified as a Variant of Uncertain Significance.